The following is an entry in ClinVar:

NM_004787.4(SLIT2):c.1298T>C (p.Ile433Thr)

Gene: SLIT2 (slit guidance ligand 2; plus strand). Cytogenetic location: 4p15.31.
Variant type: single nucleotide variant.
Coding change: c.1298T>C on transcript NM_004787.4 (MANE Select); coding-DNA position 1298, T replaced by C.
Protein change: p.Ile433Thr; replaces isoleucine 433 with threonine.
Molecular consequence: missense variant.
Genome position (GRCh38, 1-based): chr4:20,524,037, T>C. VCF-style: chr4-20524037-T-C. GRCh37 (hg19) VCF-style: chr4-20525660-T-C.
Other names: c.1310T>C, p.Ile437Thr (NM_001289135.3); c.1298T>C, p.Ile433Thr (NM_001289136.3); short protein forms I433T, I437T.
Identifiers: ClinVar variation 4762295 (VCV004762295.1).

ClinVar aggregate classification (germline): Uncertain significance (1 of 4 stars; one submission).

gnomAD v4.1: 1 of 1,614,222 alleles (0.000062%); highest among the groups gnomAD compares: Non-Finnish European, 0.000085%; no homozygotes.

Submission:

Labcorp Genetics (formerly Invitae), Labcorp
Classification: Uncertain significance. Last evaluated: 2025-04-30. Review status: criteria provided, single submitter. Criteria: Invitae Variant Classification Sherloc (09022015). Collection method: clinical testing. Allele origin: germline.
Comment: This sequence change replaces isoleucine, which is neutral and non-polar, with threonine, which is neutral and polar, at codon 433 of the SLIT2 protein (p.Ile433Thr). This variant is present in population databases (no rsID available, gnomAD 0.0009%). This variant has not been reported in the literature in individuals affected with SLIT2-related conditions. An algorithm developed to predict the effect of missense changes on protein structure and function (PolyPhen-2) suggests that this variant is likely to be tolerated. In summary, the available evidence is currently insufficient to determine the role of this variant in disease. Therefore, it has been classified as a Variant of Uncertain Significance.